The following is an entry in ClinVar:

NM_000322.5(PRPH2):c.581+6T>G

Gene: PRPH2 (peripherin 2; minus strand). Cytogenetic location: 6p21.1.
Variant type: single nucleotide variant.
Coding change: c.581+6T>G on transcript NM_000322.5 (MANE Select); 6 bases into the intron after coding-DNA position 581, T replaced by G.
Molecular consequence: intron variant.
Genome position (GRCh38, 1-based): chr6:42,721,748, A>C on the plus strand (T>G on the coding strand, the complement: PRPH2 is on the minus strand). VCF-style: chr6-42721748-A-C. GRCh37 (hg19) VCF-style: chr6-42689486-A-C.
Identifiers: ClinVar variation 3663290 (VCV003663290.2).

ClinVar aggregate classification (germline): Uncertain significance (1 of 4 stars; one submission).

Conditions:
PRPH2-related disorder. Also called: PRPH2-related disorders; PRPH2-related condition. Identifiers: MedGen CN239395.

Submission:

Labcorp Genetics (formerly Invitae), Labcorp
Classification: Uncertain significance for PRPH2-related disorder. Last evaluated: 2024-08-22. Review status: criteria provided, single submitter. Criteria: Invitae Variant Classification Sherloc (09022015). Collection method: clinical testing. Allele origin: germline.
Comment: This sequence change falls in intron 1 of the PRPH2 gene. It does not directly change the encoded amino acid sequence of the PRPH2 protein. It affects a nucleotide within the consensus splice site. This variant is not present in population databases (gnomAD no frequency). This variant has not been reported in the literature in individuals affected with PRPH2-related conditions. Variants that disrupt the consensus splice site are a relatively common cause of aberrant splicing (PMID: 17576681, 9536098). Algorithms developed to predict the effect of sequence changes on RNA splicing suggest that this variant may disrupt the consensus splice site. In summary, the available evidence is currently insufficient to determine the role of this variant in disease. Therefore, it has been classified as a Variant of Uncertain Significance.

Literature cited by the submitters: PubMed 17576681; PubMed 9536098.